The following is an entry in ClinVar:

ClinVar aggregate classification (germline): Likely pathogenic (1 of 4 stars; one submission).

Conditions:
ADNP-related multiple congenital anomalies - intellectual disability - autism spectrum disorder. Also called: Helsmoortel-Van der Aa Syndrome; ADNP-Related Helsmoortel-Van der Aa Syndrome. Identifiers: Orphanet 404448, MedGen C4014538, MONDO:0014379, OMIM 615873. Disease mechanism: loss of function.

Submission:

Juno Genomics, Hangzhou Juno Genomics, Inc
Classification: Likely pathogenic for ADNP-related multiple congenital anomalies - intellectual disability - autism spectrum disorder. Review status: criteria provided, single submitter. Criteria: ACMG Guidelines, 2015. Collection method: clinical testing. Allele origin: germline. Affected: yes.
Comment: Absent from controls (or at extremely low frequency if recessive) in Genome Aggregation Database, Exome Sequencing Project, 1000 Genomes Project, or Exome Aggregation Consortium.;Null variant in a gene where loss of function (LOF) is a known mechanism of disease.;Assumed de novo, but without confirmation of paternity and maternity.

NM_001282531.3(ADNP):c.2666del (p.Ser889fs)

Gene: ADNP (activity dependent neuroprotector homeobox; minus strand). Cytogenetic location: 20q13.13.
Variant type: Deletion.
Coding change: c.2666del on transcript NM_001282531.3 (MANE Select); coding-DNA position 2666, one base deleted (G; older notation c.2666delG).
Protein change: p.Ser889fs; shifts the reading frame from serine 889.
Molecular consequence: frameshift variant.
Genome position (GRCh38, 1-based): chr20:50,892,048, C deleted on the plus strand (G on the coding strand, the reverse complement: ADNP is on the minus strand). VCF-style (leftmost placement, unchanged base first): chr20-50892047-AC-A. GRCh37 (hg19) VCF-style: chr20-49508584-AC-A.
Other names: c.2666del, p.Ser889fs (NM_001282532.2, NM_001347511.2, NM_015339.5 and 1 more transcripts); short protein forms S889fs.
Identifiers: ClinVar variation 3382487 (VCV003382487.2).